The following is an entry in ClinVar:

NM_001122659.3(EDNRB):c.185T>A (p.Leu62Gln)

Gene: EDNRB (endothelin receptor type B; minus strand). Cytogenetic location: 13q22.3.
Variant type: single nucleotide variant.
Coding change: c.185T>A on transcript NM_001122659.3 (MANE Select); coding-DNA position 185, T replaced by A.
Protein change: p.Leu62Gln; replaces leucine 62 with glutamine.
Molecular consequence: missense variant.
Genome position (GRCh38, 1-based): chr13:77,918,389, A>T on the plus strand (T>A on the coding strand, the complement: EDNRB is on the minus strand). VCF-style: chr13-77918389-A-T. GRCh37 (hg19) VCF-style: chr13-78492524-A-T.
Other names: c.185T>A, p.Leu62Gln (NM_000115.5, NM_003991.4); c.455T>A, p.Leu152Gln (NM_001201397.2); short protein forms L152Q, L62Q.
Identifiers: ClinVar variation 3390703 (VCV003390703.1).
Genomic context (GRCh38, chr13:77,918,389, plus strand): 5'-GGCGGAGATCCTGCCGTCCTGTCTCCTTTAGGCACCTCCGCAGGTGCCAACGACCGCGCC[A>T]GACTGGCGTTGGAACCCTTGGGCCATAAGGTCTTAGTGGGTGGCGTCATTATCTCTGCGG-3'
Protein context (NP_001116131.1, residues 52-72): TLWPKGSNAS[Leu62Gln]ARSLAPAEVP

ClinVar aggregate classification (germline): Uncertain significance (1 of 4 stars; one submission).

Submission:

GeneDx
Classification: Uncertain significance. Last evaluated: 2024-06-10. Review status: criteria provided, single submitter. Criteria: GeneDx Variant Classification Process June 2021. Collection method: clinical testing. Allele origin: germline. Affected: yes.
Comment: Not observed at significant frequency in large population cohorts (gnomAD); In silico analysis indicates that this missense variant does not alter protein structure/function; Has not been previously published as pathogenic or benign to our knowledge